The following is an entry in ClinVar:

NM_022089.4(ATP13A2):c.2178C>G (p.Asn726Lys)

Gene: ATP13A2 (ATPase cation transporting 13A2; minus strand). Cytogenetic location: 1p36.13.
Variant type: single nucleotide variant.
Coding change: c.2178C>G on transcript NM_022089.4 (MANE Select); coding-DNA position 2178, C replaced by G.
Protein change: p.Asn726Lys; replaces asparagine 726 with lysine.
Molecular consequence: missense variant.
Genome position (GRCh38, 1-based): chr1:16,991,807, G>C on the plus strand (C>G on the coding strand, the complement: ATP13A2 is on the minus strand). VCF-style: chr1-16991807-G-C. GRCh37 (hg19) VCF-style: chr1-17318302-G-C.
Other names: c.2163C>G, p.Asn721Lys (NM_001141973.3, NM_001141974.3); short protein forms N721K, N726K.
Identifiers: ClinVar variation 1955164 (VCV001955164.5), dbSNP rs1179611189, ClinGen allele CA338243505.
Genomic context (GRCh38, chr1:16,991,807, plus strand): 5'-GGCGCGGATGCGGGTCCTTCGCAGAGCCTGGATAACTGGCGTTGTCTGCGGCTTCAGTAG[G>C]TTCCTCATGACCAGCAGCCCCAGGAGGCTCAGGTCTCCTTCCACAGTGTCCCTGGAGGGT-3'
Protein context (NP_071372.1, residues 716-736): LSLLGLLVMR[Asn726Lys]LLKPQTTPVI

ClinVar aggregate classification (germline): Uncertain significance (1 of 4 stars; one submission).

Conditions:
Autosomal recessive spastic paraplegia type 78. Identifiers: Orphanet 513436, MedGen C5567893, MONDO:0014975, OMIM 617225.
Kufor-Rakeb syndrome (KRS). Also called: PARKINSON DISEASE 9, AUTOSOMAL RECESSIVE, JUVENILE-ONSET. Identifiers: Orphanet 306674, Orphanet 314632, MedGen C1847640, MONDO:0011706, OMIM 606693.

gnomAD v4.1: 2 of 1,614,170 alleles (0.00012%); highest among the groups gnomAD compares: Admixed American, 0.0033%; no homozygotes.

Submission:

Labcorp Genetics (formerly Invitae), Labcorp
Classification: Uncertain significance for Kufor-Rakeb syndrome; Autosomal recessive spastic paraplegia type 78. Last evaluated: 2024-02-17. Review status: criteria provided, single submitter. Criteria: Invitae Variant Classification Sherloc (09022015). Collection method: clinical testing. Allele origin: germline.
Comment: This sequence change replaces asparagine, which is neutral and polar, with lysine, which is basic and polar, at codon 726 of the ATP13A2 protein (p.Asn726Lys). This variant is present in population databases (no rsID available, gnomAD 0.003%). This variant has not been reported in the literature in individuals affected with ATP13A2-related conditions. ClinVar contains an entry for this variant (Variation ID: 1955164). Advanced modeling of protein sequence and biophysical properties (such as structural, functional, and spatial information, amino acid conservation, physicochemical variation, residue mobility, and thermodynamic stability) performed at Invitae indicates that this missense variant is expected to disrupt ATP13A2 protein function with a positive predictive value of 80%. In summary, the available evidence is currently insufficient to determine the role of this variant in disease. Therefore, it has been classified as a Variant of Uncertain Significance.